The following is an entry in ClinVar:

ClinVar aggregate classification (germline): Likely benign (1 of 4 stars; one submission).

gnomAD v4.1: 19 of 152,004 alleles (0.012%); highest among the groups gnomAD compares: Non-Finnish European, 0.019%; no homozygotes.

Submission:

CeGaT Center for Human Genetics Tuebingen
Classification: Likely benign. Last evaluated: 2024-08-01. Review status: criteria provided, single submitter. Criteria: CeGaT Center For Human Genetics Tuebingen Variant Classification Criteria Version 2. Collection method: clinical testing. Allele origin: germline. Affected: yes. Observed: 1 variant allele.
Comment: C1QB: BP4, BP7

NM_001378156.1(C1QB):c.182-354T>G

Gene: C1QB (complement C1q B chain; plus strand). Cytogenetic location: 1p36.12.
Variant type: single nucleotide variant.
Coding change: c.182-354T>G on transcript NM_001378156.1 (MANE Select); 354 bases into the intron before coding-DNA position 182, T replaced by G.
Molecular consequence: intron variant.
Genome position (GRCh38, 1-based): chr1:22,660,458, T>G. VCF-style: chr1-22660458-T-G. GRCh37 (hg19) VCF-style: chr1-22986951-T-G.
Other names: c.182-354T>G (NM_001371184.3); c.188-354T>G (NM_000491.5).
Identifiers: ClinVar variation 3341989 (VCV003341989.16).